The following is an entry in ClinVar:

ClinVar aggregate classification (germline): Benign. Review status: criteria provided, multiple submitters, no conflicts (2 of 4 stars). 2 submissions from 2 submitters: Benign (2). Last evaluated 2026-01-29.

Conditions:
Primary ciliary dyskinesia. Also called: Ciliary dyskinesia. Identifiers: Orphanet 244, MedGen C0008780, MONDO:0016575, HP:0012265.

Allele frequency attached by ClinVar (database versions not stated): TOPMed 0.01518; gnomAD exomes 0.00273 and 0.00513; ExAC 0.00546; gnomAD 0.01279 and 0.01359; 1000 Genomes Project 0.01298; 1000 Genomes Project 30x 0.01390; ESP Exome Variant Server 0.01415.
gnomAD v4.1: 6,174 of 1,612,762 alleles (0.38%); highest among the groups gnomAD compares: African/African-American, 3.8%; 89 homozygotes.

Submissions (2):

Labcorp Genetics (formerly Invitae), Labcorp
Classification: Benign for Primary ciliary dyskinesia. Last evaluated: 2026-01-29. Review status: criteria provided, single submitter. Criteria: Invitae Variant Classification Sherloc (09022015). Collection method: clinical testing. Allele origin: germline.

Mayo Clinic Laboratories, Mayo Clinic
Classification: Benign. Last evaluated: 2023-11-09. Review status: criteria provided, single submitter. Criteria: ACMG Guidelines, 2015. Collection method: clinical testing. Allele origin: germline. Observed: 2 variant alleles.
Comment: BS1, BS2, BP4_strong

NM_001206927.2(DNAH8):c.11204A>G (p.His3735Arg)

Genes: DNAH8 (dynein axonemal heavy chain 8; plus strand), DNAH8-AS1 (DNAH8 antisense RNA 1; minus strand). Cytogenetic location: 6p21.2.
Variant type: single nucleotide variant.
Coding change: c.11204A>G on transcript NM_001206927.2 (MANE Select); coding-DNA position 11204, A replaced by G.
Protein change: p.His3735Arg; replaces histidine 3735 with arginine.
Molecular consequence: missense variant.
Genome position (GRCh38, 1-based): chr6:38,929,596, A>G. VCF-style: chr6-38929596-A-G. GRCh37 (hg19) VCF-style: chr6-38897372-A-G.
Other names: p.His3735Arg; c.10553A>G, p.His3518Arg (NM_001371.4); short protein forms H3735R, H3518R.
Identifiers: ClinVar variation 414385 (VCV000414385.13), dbSNP rs77540135, ClinGen allele CA3790955.